The following is an entry in ClinVar:

NM_000237.3(LPL):c.642A>C (p.Arg214Ser)

Gene: LPL (lipoprotein lipase; plus strand). Cytogenetic location: 8p21.3.
Variant type: single nucleotide variant.
Coding change: c.642A>C on transcript NM_000237.3 (MANE Select); coding-DNA position 642, A replaced by C.
Protein change: p.Arg214Ser; replaces arginine 214 with serine.
Molecular consequence: missense variant.
Genome position (GRCh38, 1-based): chr8:19,954,220, A>C. VCF-style: chr8-19954220-A-C. GRCh37 (hg19) VCF-style: chr8-19811731-A-C.
Other names: short protein forms R214S.
Identifiers: ClinVar variation 4853457 (VCV004853457.1).
Genomic context (GRCh38, chr8:19,954,220, plus strand): 5'-CCCGAGTCGTCTTTCTCCTGATGATGCAGATTTTGTAGACGTCTTACACACATTCACCAG[A>C]GGGTCCCCTGGTCGAAGCATTGGAATCCAGAAACCAGTTGGGCATGTTGACATTTACCCG-3'
Protein context (NP_000228.1, residues 204-224): DFVDVLHTFT[Arg214Ser]GSPGRSIGIQ

ClinVar aggregate classification (germline): Uncertain significance (1 of 4 stars; one submission).

Submission:

Women's Health and Genetics/Laboratory Corporation of America, LabCorp
Classification: Uncertain significance. Last evaluated: 2026-05-08. Review status: criteria provided, single submitter. Criteria: LabCorp Variant Classification Summary - May 2015. Collection method: clinical testing. Allele origin: germline.
Comment: Variant summary: LPL c.642A>C (p.Arg214Ser) results in a non-conservative amino acid change in the encoded protein sequence. Algorithms developed to predict the effect of missense changes on protein structure and function all suggest that this variant is likely to be disruptive. The variant was absent in 251454 control chromosomes. The available data on variant occurrences in the general population are insufficient to allow any conclusion about variant significance. c.642A>C has been observed in one compound heterozygous individual with symptoms of Familial Lipoprotein Lipase Deficiency (Marmontel_2018). These data do not allow any conclusion about the significance of the variant. To our knowledge, no experimental evidence demonstrating an impact on protein function has been reported. The following publication has been ascertained in the context of this evaluation (PMID: 29572815). No submitters have cited clinical significance assessments for this variant in ClinVar. Based on the evidence outlined above, the variant was classified as uncertain significance.

Literature cited by the submitters: PubMed 29572815.